The following is an entry in ClinVar:

NM_002528.7(NTHL1):c.603C>T (p.Ala201=)

Gene: NTHL1 (nth like DNA glycosylase 1; minus strand). Cytogenetic location: 16p13.3.
Variant type: single nucleotide variant.
Coding change: c.603C>T on transcript NM_002528.7 (MANE Select); coding-DNA position 603, C replaced by T.
Protein change: p.Ala201=; no amino-acid change (alanine 201 retained).
Molecular consequence: synonymous variant.
Genome position (GRCh38, 1-based): chr16:2,043,649, G>A on the plus strand (C>T on the coding strand, the complement: NTHL1 is on the minus strand). VCF-style: chr16-2043649-G-A. GRCh37 (hg19) VCF-style: chr16-2093650-G-A.
Other names: c.432C>T, p.Ala144= (NM_001318193.2); c.273C>T, p.Ala91= (NM_001318194.2).
Identifiers: ClinVar variation 762576 (VCV000762576.15), dbSNP rs747289981, ClinGen allele CA7828195.

ClinVar aggregate classification (germline): Likely benign. Review status: criteria provided, multiple submitters, no conflicts (2 of 4 stars). 4 submissions from 4 submitters: Likely benign (4). Last evaluated 2025-10-15.

Conditions:
Hereditary cancer-predisposing syndrome. Also called: Hereditary neoplastic syndrome; Neoplastic Syndromes, Hereditary; Hereditary Cancer Syndrome; Tumor predisposition. Identifiers: Orphanet 140162, MedGen C0027672, MeSH D009386, MONDO:0015356.
NTHL1-related disorder. Also called: NTHL1-related condition; NTHL1-related conditions.

Allele frequency attached by ClinVar (database versions not stated): gnomAD 0.00001; TOPMed 0.00001.
gnomAD v4.1: 9 of 1,611,638 alleles (0.00056%); highest among the groups gnomAD compares: Middle Eastern, 0.016%; no homozygotes.

Submissions (4):

Labcorp Genetics (formerly Invitae), Labcorp
Classification: Likely benign. Last evaluated: 2025-10-15. Review status: criteria provided, single submitter. Criteria: Invitae Variant Classification Sherloc (09022015). Collection method: clinical testing. Allele origin: germline.

PreventionGenetics, part of Exact Sciences
Classification: Likely benign for NTHL1-related condition. Last evaluated: 2025-09-11. Review status: criteria provided, single submitter. Criteria: ACMG Guidelines, 2015. Collection method: clinical testing. Allele origin: germline.
Comment: This variant is classified as likely benign based on ACMG/AMP sequence variant interpretation guidelines (Richards et al. 2015 PMID: 25741868, with internal and published modifications).

Quest Diagnostics Nichols Institute San Juan Capistrano
Classification: Likely benign. Last evaluated: 2023-04-17. Review status: criteria provided, single submitter. Criteria: Quest Diagnostics criteria. Collection method: clinical testing. Allele origin: unknown.

Ambry Genetics
Classification: Likely benign for Hereditary cancer-predisposing syndrome. Last evaluated: 2020-10-06. Review status: criteria provided, single submitter. Criteria: Ambry Variant Classification Scheme 2023. Collection method: clinical testing. Allele origin: germline.